The following is an entry in ClinVar:

NM_007107.5(SSR3):c.427A>T (p.Thr143Ser)

Gene: SSR3 (signal sequence receptor subunit 3; minus strand). Cytogenetic location: 3q25.31.
Variant type: single nucleotide variant.
Coding change: c.427A>T on transcript NM_007107.5 (MANE Select); coding-DNA position 427, A replaced by T.
Protein change: p.Thr143Ser; replaces threonine 143 with serine.
Molecular consequence: missense variant.
Genome position (GRCh38, 1-based): chr3:156,544,372, T>A on the plus strand (A>T on the coding strand, the complement: SSR3 is on the minus strand). VCF-style: chr3-156544372-T-A. GRCh37 (hg19) VCF-style: chr3-156262161-T-A.
Other names: c.466A>T, p.Thr156Ser (NM_001308197.2); c.271A>T, p.Thr91Ser (NM_001308204.2, NM_001308205.2); short protein forms T143S, T91S, T156S.
Identifiers: ClinVar variation 4731015 (VCV004731015.1).

ClinVar aggregate classification (germline): Uncertain significance (1 of 4 stars; one submission).

Submission:

Labcorp Genetics (formerly Invitae), Labcorp
Classification: Uncertain significance. Last evaluated: 2025-11-12. Review status: criteria provided, single submitter. Criteria: Invitae Variant Classification Sherloc (09022015). Collection method: clinical testing. Allele origin: germline.
Comment: This sequence change replaces threonine, which is neutral and polar, with serine, which is neutral and polar, at codon 156 of the SSR3 protein (p.Thr156Ser). This variant is not present in population databases (gnomAD no frequency). This variant has not been reported in the literature in individuals affected with SSR3-related conditions. An algorithm developed to predict the effect of missense changes on protein structure and function (PolyPhen-2) suggests that this variant is likely to be tolerated. In summary, the available evidence is currently insufficient to determine the role of this variant in disease. Therefore, it has been classified as a Variant of Uncertain Significance.